The following is an entry in ClinVar:

NM_015338.6(ASXL1):c.2555C>T (p.Ser852Leu)

Gene: ASXL1 (ASXL transcriptional regulator 1; plus strand). Cytogenetic location: 20q11.21.
Variant type: single nucleotide variant.
Coding change: c.2555C>T on transcript NM_015338.6 (MANE Select); coding-DNA position 2555, C replaced by T.
Protein change: p.Ser852Leu; replaces serine 852 with leucine.
Molecular consequence: missense variant.
Genome position (GRCh38, 1-based): chr20:32,435,267, C>T. VCF-style: chr20-32435267-C-T. GRCh37 (hg19) VCF-style: chr20-31023070-C-T.
Other names: c.2372C>T, p.Ser791Leu (NM_001363734.1); c.2555C>T (NM_015338.5); short protein forms S852L, S791L.
Identifiers: ClinVar variation 1415963 (VCV001415963.9), dbSNP rs371542005, ClinGen allele CA9808648.

ClinVar aggregate classification (germline): Conflicting classifications of pathogenicity. Review status: criteria provided, conflicting classifications (1 of 4 stars). 2 submissions from 2 submitters: Uncertain significance (1); Likely benign (1). Last evaluated 2024-12-24.

Conditions:
Inborn genetic diseases. Identifiers: MedGen C0950123, MeSH D030342.

Allele frequency attached by ClinVar (database versions not stated): ESP Exome Variant Server 0.00008; gnomAD exomes 0.00001; ExAC 0.00002; gnomAD 0.00003 and 0.00005; TOPMed 0.00003.
gnomAD v4.1: 22 of 1,614,026 alleles (0.0014%); highest among the groups gnomAD compares: Middle Eastern, 0.016%; no homozygotes.

Submissions (2):

Ambry Genetics
Classification: Likely benign for Inborn genetic diseases. Last evaluated: 2024-12-24. Review status: criteria provided, single submitter. Criteria: Ambry Variant Classification Scheme 2023. Collection method: clinical testing. Allele origin: germline.

Labcorp Genetics (formerly Invitae), Labcorp
Classification: Uncertain significance. Last evaluated: 2024-08-24. Review status: criteria provided, single submitter. Criteria: Invitae Variant Classification Sherloc (09022015). Collection method: clinical testing. Allele origin: germline.
Comment: This sequence change replaces serine, which is neutral and polar, with leucine, which is neutral and non-polar, at codon 852 of the ASXL1 protein (p.Ser852Leu). This variant is present in population databases (rs371542005, gnomAD 0.01%). This variant has not been reported in the literature in individuals affected with ASXL1-related conditions. ClinVar contains an entry for this variant (Variation ID: 1415963). An algorithm developed to predict the effect of missense changes on protein structure and function outputs the following: PolyPhen-2: "Benign". The leucine amino acid residue is found in multiple mammalian species, which suggests that this missense change does not adversely affect protein function. In summary, the available evidence is currently insufficient to determine the role of this variant in disease. Therefore, it has been classified as a Variant of Uncertain Significance.